The following is an entry in ClinVar:

ClinVar aggregate classification (germline): Pathogenic. Review status: criteria provided, multiple submitters, no conflicts (2 of 4 stars). 10 submissions from 10 submitters: Pathogenic (9). 1 of the submissions does not count toward it. Last evaluated 2025-05-12.

Conditions:
PEX1-related disorder. Also called: PEX1-related condition.
Zellweger spectrum disorders (ZS). Also called: Zellweger Spectrum Disorder; Zellweger Spectrum; Zellweger syndrome; Zellweger Spectrum Disorder (ZSD). Identifiers: Orphanet 912, MedGen C0043459, MONDO:0019609.
Peroxisome biogenesis disorder type 1A.
Peroxisome biogenesis disorder 1B (PBD1B). Also called: PEROXISOME BIOGENESIS DISORDER (NEONATAL ADRENOLEUKODYSTROPHY/INFANTILE REFSUM DISEASE); INFANTILE PHYTANIC ACID STORAGE DISEASE; PEROXISOME BIOGENESIS DISORDER (NALD/IRD); ADRENOLEUKODYSTROPHY, AUTOSOMAL NEONATAL; Refsum disease, infantile form; Infantile Refsum disease. Identifiers: Orphanet 44, MedGen C0282527, MONDO:0011101, OMIM 601539.
Heimler syndrome 1 (HMLR1). Also called: PEROXISOME BIOGENESIS DISORDER 1C. Identifiers: Orphanet 3220, MedGen C4551980, OMIM 234580, MONDO:0024544.
Peroxisome biogenesis disorder 1A (Zellweger) (PBD1A). Also called: Peroxisome biogenesis disorder 1a; Zellweger leukodystrophy. Identifiers: MedGen C4721541, MONDO:0008953, OMIM 214100.
Peroxisome biogenesis disorder. Identifiers: Orphanet 79189, MedGen C1832200, MONDO:0019234. Disease mechanism: loss of function.

Allele frequency attached by ClinVar (database versions not stated): gnomAD exomes 0.00001.
gnomAD v4.1: 11 of 1,613,380 alleles (0.00068%); highest among the groups gnomAD compares: South Asian, 0.012%; no homozygotes.

Submissions (10):

Natera, Inc.
Classification: Pathogenic for Zellweger syndrome. Last evaluated: 2025-05-12. Review status: criteria provided, single submitter. Criteria: Natera Variant Classification Schema (03/2026). Collection method: clinical testing. Allele origin: germline.
Comment: The c.2926+2T>C variant in PEX1 is a canonical splice donor site variant predicted to affect pre-mRNA splicing, which may result in an abnormal transcript and altered protein product. This variant is expected to result in nonsense mediated decay, truncation, or a dysfunctional protein product. This variant is rare in the general population with a frequency below the threshold expected for the associated phenotype(s). This variant has been observed in one or more individuals affected with the associated recessive disease, as either homozygous or compound heterozygous with a second variant (PMID: 11389485). Another variant at this same site results in an alteration predicted to cause a similar molecular effect has been observed in individual(s) with the associated phenotype. Given the available evidence, this variant is classified as Pathogenic.

Fulgent Genetics
Classification: Pathogenic for Peroxisome biogenesis disorder 1A (Zellweger); Heimler syndrome 1; Peroxisome biogenesis disorder 1B. Last evaluated: 2024-03-01. Review status: criteria provided, single submitter. Criteria: ACMG Guidelines, 2015. Collection method: clinical testing. Allele origin: germline.

Department of Pathology and Laboratory Medicine, Sinai Health System
Classification: Pathogenic for peroxisome biogenesis disorder. Last evaluated: 2023-10-17. Review status: criteria provided, single submitter. Criteria: ACMG Guidelines, 2015. Collection method: research. Allele origin: germline.

Baylor Genetics
Classification: Pathogenic for Heimler syndrome 1. Last evaluated: 2023-01-25. Review status: criteria provided, single submitter. Criteria: ACMG Guidelines, 2015. Collection method: clinical testing. Allele origin: unknown.

GeneDx
Classification: Pathogenic. Last evaluated: 2022-10-17. Review status: criteria provided, single submitter. Criteria: GeneDx Variant Classification Process June 2021. Collection method: clinical testing. Allele origin: germline. Affected: yes.
Comment: Canonical splice site variant predicted to result in a null allele in a gene for which loss-of-function is a known mechanism of disease; Not observed at a significant frequency in large population cohorts (gnomAD); This variant is associated with the following publications: (PMID: 25525159, 33138774, 33708531, 33083013, 21031596, 11389485)

Women's Health and Genetics/Laboratory Corporation of America, LabCorp
Classification: Pathogenic for Peroxisome biogenesis disorder. Last evaluated: 2022-10-10. Review status: criteria provided, single submitter. Criteria: LabCorp Variant Classification Summary - May 2015. Collection method: clinical testing. Allele origin: germline.
Comment: Variant summary: PEX1 c.2926+2T>C is located in a canonical splice-site and is predicted to affect mRNA splicing resulting in a significantly altered protein due to either exon skipping, shortening, or inclusion of intronic material. Multiple computational tools predict a significant impact on normal splicing: Three predict the variant abolishes a canonical 5' splicing donor site. However, these predictions have yet to be confirmed by functional studies. The variant allele was found at a frequency of 8e-06 in 251308 control chromosomes. c.2926+2T>C has been reported in the literature in individuals affected with Zellweger Syndrome (Walter_2001, Cheema_2020, Rosewich_2005). These data indicate that the variant is associated with disease. One publication reports experimental evidence evaluating an impact on protein expression, finding no expression of PEX1 protein in cells that are compound heterozygous for this variant and c.2097dup (Walter_2001). One clinical diagnostic laboratory has submitted clinical-significance assessments for this variant to ClinVar after 2014 without evidence for independent evaluation, classifying the variant as pathogenic. Based on the evidence outlined above, the variant was classified as pathogenic.

Labcorp Genetics (formerly Invitae), Labcorp
Classification: Pathogenic for Zellweger spectrum disorders. Last evaluated: 2022-09-07. Review status: criteria provided, single submitter. Criteria: Invitae Variant Classification Sherloc (09022015). Collection method: clinical testing. Allele origin: germline.
Comment: For these reasons, this variant has been classified as Pathogenic. Algorithms developed to predict the effect of sequence changes on RNA splicing suggest that this variant may disrupt the consensus splice site. ClinVar contains an entry for this variant (Variation ID: 189002). Disruption of this splice site has been observed in individuals with Zellweger spectrum disorder (PMID: 11389485, 19105186). This variant is present in population databases (rs267608180, gnomAD 0.006%). This sequence change affects a donor splice site in intron 18 of the PEX1 gene. It is expected to disrupt RNA splicing. Variants that disrupt the donor or acceptor splice site typically lead to a loss of protein function (PMID: 16199547), and loss-of-function variants in PEX1 are known to be pathogenic (PMID: 9398847, 16086329, 16141001, 21031596, 26387595, 31831025).

Blueprint Genetics
Classification: Pathogenic for PEX1-related disorders. Last evaluated: 2022-06-02. Review status: criteria provided, single submitter. Criteria: ACMG Guidelines, 2015. Collection method: clinical testing. Allele origin: germline. Affected: yes. Observed: 1 variant allele.

CENTOGENE GmbH and LLC - Guiding Precision Medicine
Classification: Pathogenic for Peroxisome biogenesis disorder type 1A. Review status: criteria provided, single submitter. Criteria: ACMG Guidelines, 2015. Collection method: clinical testing. Allele origin: germline. Affected: yes.

Counsyl
Classification: Likely pathogenic for Zellweger syndrome. Last evaluated: 2014-10-08. Review status: no assertion criteria provided. Collection method: literature only. Allele origin: unknown. Inheritance: Autosomal recessive inheritance. Not counted in ClinVar's aggregate classification.

Literature cited by the submitters: PubMed 11389485 (cited by 4 submitters); PubMed 16141001 (cited by Women's Health and Genetics/Laboratory Corporation of America, LabCorp and Labcorp Genetics (formerly Invitae), Labcorp); PubMed 33083013 (cited by Women's Health and Genetics/Laboratory Corporation of America, LabCorp); PubMed 19105186 (cited by Labcorp Genetics (formerly Invitae), Labcorp); PubMed 16199547 (cited by Labcorp Genetics (formerly Invitae), Labcorp); PubMed 9398847 (cited by Labcorp Genetics (formerly Invitae), Labcorp); PubMed 16086329 (cited by Labcorp Genetics (formerly Invitae), Labcorp); PubMed 21031596 (cited by Labcorp Genetics (formerly Invitae), Labcorp); PubMed 26387595 (cited by Labcorp Genetics (formerly Invitae), Labcorp); PubMed 31831025 (cited by Labcorp Genetics (formerly Invitae), Labcorp).

NM_000466.3(PEX1):c.2926+2T>C

Genes: GATAD1 (GATA zinc finger domain containing 1; plus strand), PEX1 (peroxisomal biogenesis factor 1; minus strand). Cytogenetic location: 7q21.2.
Variant type: single nucleotide variant.
Coding change: c.2926+2T>C on transcript NM_000466.3 (MANE Select); the canonical splice donor site of the intron after coding-DNA position 2926, T replaced by C.
Molecular consequence: splice donor variant.
Genome position (GRCh38, 1-based): chr7:92,494,485, A>G on the plus strand (T>C on the coding strand, the complement: PEX1 is on the minus strand). VCF-style: chr7-92494485-A-G. GRCh37 (hg19) VCF-style: chr7-92123799-A-G.
Other names: c.2755+2T>C (NM_001282677.2); c.2302+2T>C (NM_001282678.2).
Identifiers: ClinVar variation 189002 (VCV000189002.19), dbSNP rs267608180, ClinGen allele CA274236.